The following is an entry in ClinVar:

ClinVar aggregate classification (germline): Uncertain significance (1 of 4 stars; one submission).

Allele frequency attached by ClinVar (database versions not stated): TOPMed below 0.00001.

Submission:

Labcorp Genetics (formerly Invitae), Labcorp
Classification: Uncertain significance. Last evaluated: 2023-04-06. Review status: criteria provided, single submitter. Criteria: Invitae Variant Classification Sherloc (09022015). Collection method: clinical testing. Allele origin: germline.
Comment: Advanced modeling of protein sequence and biophysical properties (such as structural, functional, and spatial information, amino acid conservation, physicochemical variation, residue mobility, and thermodynamic stability) performed at Invitae indicates that this missense variant is not expected to disrupt BACH2 protein function. In summary, the available evidence is currently insufficient to determine the role of this variant in disease. Therefore, it has been classified as a Variant of Uncertain Significance. This variant has not been reported in the literature in individuals affected with BACH2-related conditions. This sequence change replaces valine, which is neutral and non-polar, with isoleucine, which is neutral and non-polar, at codon 650 of the BACH2 protein (p.Val650Ile). This variant is not present in population databases (gnomAD no frequency).

NM_021813.4(BACH2):c.1948G>A (p.Val650Ile)

Gene: BACH2 (BACH transcriptional regulator 2; minus strand). Cytogenetic location: 6q15.
Variant type: single nucleotide variant.
Coding change: c.1948G>A on transcript NM_021813.4 (MANE Select); coding-DNA position 1948, G replaced by A.
Protein change: p.Val650Ile; replaces valine 650 with isoleucine.
Molecular consequence: missense variant.
Genome position (GRCh38, 1-based): chr6:89,938,239, C>T on the plus strand (G>A on the coding strand, the complement: BACH2 is on the minus strand). VCF-style: chr6-89938239-C-T. GRCh37 (hg19) VCF-style: chr6-90647958-C-T.
Other names: c.1948G>A, p.Val650Ile (NM_001170794.2); short protein forms V650I.
Identifiers: ClinVar variation 2852778 (VCV002852778.3), dbSNP rs1156588454, ClinGen allele CA365069550.